The following is an entry in ClinVar:

NM_024408.4(NOTCH2):c.6703A>C (p.Ser2235Arg)

Gene: NOTCH2 (notch receptor 2; minus strand). Cytogenetic location: 1p12.
Variant type: single nucleotide variant.
Coding change: c.6703A>C on transcript NM_024408.4 (MANE Select); coding-DNA position 6703, A replaced by C.
Protein change: p.Ser2235Arg; replaces serine 2235 with arginine.
Molecular consequence: missense variant.
Genome position (GRCh38, 1-based): chr1:119,916,019, T>G on the plus strand (A>C on the coding strand, the complement: NOTCH2 is on the minus strand). VCF-style: chr1-119916019-T-G. GRCh37 (hg19) VCF-style: chr1-120458642-T-G.
Other names: short protein forms S2235R.
Identifiers: ClinVar variation 4987473 (VCV004987473.1).

ClinVar aggregate classification (germline): Uncertain significance (1 of 4 stars; one submission).

Conditions:
NOTCH2-related disorder. Also called: NOTCH2-related condition.

gnomAD v4.1: 37 of 1,613,704 alleles (0.0023%); highest among the groups gnomAD compares: Non-Finnish European, 0.0024%; no homozygotes.

Submission:

PreventionGenetics, part of Exact Sciences
Classification: Uncertain significance for NOTCH2-related condition. Last evaluated: 2025-08-12. Review status: criteria provided, single submitter. Criteria: ACMG Guidelines, 2015. Collection method: clinical testing. Allele origin: germline.
Comment: The NOTCH2 c.6703A>C variant is predicted to result in the amino acid substitution p.Ser2235Arg. To our knowledge, this variant has not been reported in the literature or in gnomAD, indicating this variant is rare. At this time, the clinical significance of this variant is uncertain due to the absence of conclusive functional and genetic evidence.